The following is an entry in ClinVar:

ClinVar aggregate classification (germline): Uncertain significance (1 of 4 stars; one submission).

Submission:

Ambry Genetics
Classification: Uncertain significance. Last evaluated: 2022-09-04. Review status: criteria provided, single submitter. Criteria: Ambry Variant Classification Scheme 2023. Collection method: clinical testing. Allele origin: germline.
Comment: The p.P2802S variant (also known as c.8404C>T), located in coding exon 62 of the PRKDC gene, results from a C to T substitution at nucleotide position 8404. The proline at codon 2802 is replaced by serine, an amino acid with similar properties. This amino acid position is conserved. In addition, this alteration is predicted to be deleterious by in silico analysis. Since supporting evidence is limited at this time, the clinical significance of this alteration remains unclear.

NM_006904.7(PRKDC):c.8404C>T (p.Pro2802Ser)

Gene: PRKDC (protein kinase, DNA-activated, catalytic subunit; minus strand). Cytogenetic location: 8q11.21.
Variant type: single nucleotide variant.
Coding change: c.8404C>T on transcript NM_006904.7 (MANE Select); coding-DNA position 8404, C replaced by T.
Protein change: p.Pro2802Ser; replaces proline 2802 with serine.
Molecular consequence: missense variant.
Genome position (GRCh38, 1-based): chr8:47,828,341, G>A on the plus strand (C>T on the coding strand, the complement: PRKDC is on the minus strand). VCF-style: chr8-47828341-G-A. GRCh37 (hg19) VCF-style: chr8-48740902-G-A.
Other names: c.8404C>T, p.Pro2802Ser (NM_001081640.2); short protein forms P2802S.
Identifiers: ClinVar variation 1763258 (VCV001763258.2), dbSNP rs1352473624, ClinGen allele CA371144888.